The following is an entry in ClinVar:

NM_000492.4(CFTR):c.577G>T (p.Glu193Ter)

Gene: CFTR (CF transmembrane conductance regulator; plus strand). Cytogenetic location: 7q31.2.
Variant type: single nucleotide variant.
Coding change: c.577G>T on transcript NM_000492.4 (MANE Select); coding-DNA position 577, G replaced by T.
Protein change: p.Glu193Ter; replaces glutamic acid 193 with a stop codon.
Molecular consequence: nonsense.
Genome position (GRCh38, 1-based): chr7:117,534,363, G>T. VCF-style: chr7-117534363-G-T. GRCh37 (hg19) VCF-style: chr7-117174417-G-T.
Other names: short protein forms E193*.
Identifiers: ClinVar variation 54007 (VCV000054007.28), dbSNP rs397508759, ClinGen allele CA221033.

ClinVar aggregate classification (germline): Pathogenic. Review status: reviewed by expert panel (3 of 4 stars). 10 submissions from 10 submitters: Pathogenic (1). 9 of the submissions do not count toward it. Last evaluated 2017-03-17.

Conditions:
CFTR-related disorder (CFTR-RD). Also called: CFTR-related condition; CFTR-related disorders. Identifiers: MedGen C5924204, MONDO:7770004.
Bronchiectasis with or without elevated sweat chloride 1 (BESC1). Also called: Cystic Fibrosis-Like Syndrome. Identifiers: Orphanet 60033, MedGen C2749757, MONDO:0008887, OMIM 211400.
Congenital bilateral aplasia of vas deferens from CFTR mutation (CBAVD). Identifiers: Orphanet 48, MedGen C0403814, MONDO:0010178, OMIM 277180. Disease mechanism: loss of function.
Cystic fibrosis (CF). Also called: MUCOVISCIDOSIS. Identifiers: Orphanet 586, MedGen C0010674, MONDO:0009061, OMIM 219700. Disease mechanism: loss of function.
Hereditary pancreatitis (PCTT). Also called: PRSS1-Related Hereditary Pancreatitis; Hereditary chronic pancreatitis. Identifiers: Orphanet 676, MedGen C0238339, MONDO:0008185, OMIM 167800.

Allele frequency attached by ClinVar (database versions not stated): gnomAD exomes 0.00001.
gnomAD v4.1: 8 of 1,503,044 alleles (0.00053%); highest among the groups gnomAD compares: Non-Finnish European, 0.00074%; no homozygotes.

Submissions (10):

CFTR2
Classification: Pathogenic for Cystic fibrosis. Last evaluated: 2017-03-17. Review status: reviewed by expert panel. Criteria: Sosnay PR et al. (Nat Genet 2013). Collection method: research. Allele origin: germline. Affected: yes. Study: CFTR2.

Natera, Inc.
Classification: Pathogenic for CFTR-related disorders. Last evaluated: 2025-12-12. Review status: criteria provided, single submitter. Criteria: Natera Variant Classification Schema (03/2026). Collection method: clinical testing. Allele origin: germline. Not counted in ClinVar's aggregate classification.
Comment: The c.577G>T variant in CFTR is a nonsense variant predicted to introduce a stop codon at amino acid 193. This variant is expected to result in nonsense mediated decay, truncation, or a dysfunctional protein product. This variant is rare in the general population with a frequency below the threshold expected for the associated phenotype(s). This variant has been observed in one or more individuals affected with the associated recessive disease, as either homozygous or compound heterozygous with a second variant (PMID: 17716958, 27898234). Given the available evidence, this variant is classified as Pathogenic.

ARUP Laboratories, Molecular Genetics and Genomics, ARUP Laboratories
Classification: Pathogenic for Cystic fibrosis. Last evaluated: 2025-07-25. Review status: criteria provided, single submitter. Criteria: ARUP Molecular Germline Variant Investigation Process 2024. Collection method: clinical testing. Allele origin: germline. Not counted in ClinVar's aggregate classification.
Comment: The CFTR c.577G>T; p.Glu193Ter variant (rs397508759) is reported in multiple cystic fibrosis patients, and often associated with pancreatic insufficiency (Ooi 2012, Terlizzi 2014, CFTR2 database). This variant is reported as pathogenic in ClinVar (Variation ID: 54007). This variant is absent from the Genome Aggregation Database (v2.1.1), indicating it is not a common polymorphism. This variant induces an early termination codon and is predicted to result in a truncated protein or mRNA subject to nonsense-mediated decay. Based on available information, this variant is considered to be pathogenic. References: CFTR2 database: Ooi CY et al. Cystic fibrosis transmembrane conductance regulator (CFTR) gene mutations in pancreatitis. J Cyst Fibros. 2012 Sep;11(5):355-62. PMID: 22658665. Terlizzi V et al. Prediction of acute pancreatitis risk based on PIP score in children with cystic fibrosis. J Cyst Fibros. 2014 Sep;13(5):579-84. PMID: 24525081.

Ambry Genetics
Classification: Pathogenic for Cystic fibrosis. Last evaluated: 2022-05-11. Review status: criteria provided, single submitter. Criteria: Ambry Variant Classification Scheme 2023. Collection method: clinical testing. Allele origin: germline. Not counted in ClinVar's aggregate classification.
Comment: The p.E193* pathogenic mutation (also known as c.577G>T), located in coding exon 5 of the CFTR gene, results from a G to T substitution at nucleotide position 577. This changes the amino acid from a glutamic acid to a stop codon within coding exon 5. In one study, this mutation was reported in two brothers with a clinical diagnosis of cystic fibrosis and who were pancreatic sufficient and heterozygous for another CFTR mutation (Loubieres Y et al. Chest. 2002; 121(1): 73-80). In another study, this alteration was found in one out of 198 alleles in a cohort of patients with CFTR-related disorders (Amato et al. J Mol Diagn. 2012; 14: 81). This mutation was reported as being associated with elevated sweat chloride, decreased lung function and pancreatic insufficiency (The Clinical and Functional Translation of CFTR (CFTR2); available at CFTR2. Accessed September 15, 2015). In addition to the clinical data presented in the literature, this alteration is expected to result in loss of function by premature protein truncation or nonsense-mediated mRNA decay. As such, this alteration is interpreted as a disease-causing mutation.

Labcorp Genetics (formerly Invitae), Labcorp
Classification: Pathogenic for Cystic fibrosis. Last evaluated: 2022-04-08. Review status: criteria provided, single submitter. Criteria: Invitae Variant Classification Sherloc (09022015). Collection method: clinical testing. Allele origin: germline. Not counted in ClinVar's aggregate classification.
Comment: This sequence change creates a premature translational stop signal (p.Glu193*) in the CFTR gene. It is expected to result in an absent or disrupted protein product. Loss-of-function variants in CFTR are known to be pathogenic (PMID: 1695717, 7691345, 9725922). This variant is not present in population databases (gnomAD no frequency). This premature translational stop signal has been observed in individual(s) with cystic fibrosis or recurrent pancreatitis (PMID: 22020151, 22658665). ClinVar contains an entry for this variant (Variation ID: 54007). For these reasons, this variant has been classified as Pathogenic.

Women's Health and Genetics/Laboratory Corporation of America, LabCorp
Classification: Pathogenic for Cystic fibrosis. Last evaluated: 2020-09-08. Review status: criteria provided, single submitter. Criteria: LabCorp Variant Classification Summary - May 2015. Collection method: clinical testing. Allele origin: germline. Not counted in ClinVar's aggregate classification.
Comment: Variant summary: CFTR c.577G>T (p.Glu193X) results in a premature termination codon, predicted to cause a truncation of the encoded protein or absence of the protein due to nonsense mediated decay, which are commonly known mechanisms for disease. Truncations downstream of this position have been classified as pathogenic by our laboratory. The variant was absent in 250106 control chromosomes. c.577G>T has been reported in the literature in multiple individuals affected with Cystic Fibrosis and CFTR-related disorders (example, Claustres_2000, Dorfman_2010, Ooi_2012, Amato_2012, Loubieres_2002). These data indicate that the variant is very likely to be associated with disease. Four clinical diagnostic laboratories and one expert panel (CFTR2) have submitted clinical-significance assessments for this variant to ClinVar after 2014 without evidence for independent evaluation. All submitters classified the variant as pathogenic (n=4)/likely pathogenic. Based on the evidence outlined above, the variant was classified as pathogenic.

Fulgent Genetics
Classification: Pathogenic for Hereditary pancreatitis; Bronchiectasis with or without elevated sweat chloride 1; Cystic fibrosis; Congenital bilateral aplasia of vas deferens from CFTR mutation. Last evaluated: 2018-10-31. Review status: criteria provided, single submitter. Criteria: ACMG Guidelines, 2015. Collection method: clinical testing. Allele origin: unknown. Not counted in ClinVar's aggregate classification.

CFTR-France
Classification: Pathogenic for cystic fibrosis. Last evaluated: 2018-01-29. Review status: criteria provided, single submitter. Criteria: Claustres M et al. (Hum Mutat 2017). Collection method: curation. Allele origin: germline. Affected: yes. Not counted in ClinVar's aggregate classification.

Eurofins Ntd Llc (ga)
Classification: Pathogenic. Last evaluated: 2014-08-18. Review status: criteria provided, single submitter. Criteria: EGL Classification Definitions. Collection method: clinical testing. Allele origin: germline. Observed: 2 variant alleles, 2 heterozygotes. Not counted in ClinVar's aggregate classification.

Counsyl
Classification: Likely pathogenic for Cystic fibrosis. Last evaluated: 2015-01-15. Review status: no assertion criteria provided. Collection method: literature only. Allele origin: unknown. Inheritance: Autosomal recessive inheritance. Not counted in ClinVar's aggregate classification.

Literature cited by the submitters: PubMed 17716958 (cited by Natera, Inc.); PubMed 27898234 (cited by Natera, Inc.); PubMed 1695717 (cited by Labcorp Genetics (formerly Invitae), Labcorp); PubMed 7691345 (cited by Labcorp Genetics (formerly Invitae), Labcorp); PubMed 9725922 (cited by Labcorp Genetics (formerly Invitae), Labcorp); PubMed 22020151 (cited by 3 submitters); PubMed 22658665 (cited by 3 submitters); PubMed 10923036 (cited by Women's Health and Genetics/Laboratory Corporation of America, LabCorp); PubMed 20059485 (cited by Women's Health and Genetics/Laboratory Corporation of America, LabCorp and Counsyl); PubMed 11796434 (cited by Women's Health and Genetics/Laboratory Corporation of America, LabCorp); PubMed 24525081 (cited by Counsyl).